The following is an entry in ClinVar:

ClinVar aggregate classification (germline): Uncertain significance. Review status: criteria provided, multiple submitters, no conflicts (2 of 4 stars). 2 submissions from 2 submitters: Uncertain significance (2). Last evaluated 2022-01-08.

Conditions:
Osteogenesis imperfecta type 7 (OI7). Also called: OSTEOGENESIS IMPERFECTA, TYPE IIB; Osteogenesis imperfecta type 2B; OI type 2B; Osteogenesis imperfecta, perinatal lethal autosomal recessive; OI type IIB; OI type 7. Identifiers: MedGen C1853162, MONDO:0012536, OMIM 610682.

Allele frequency attached by ClinVar (database versions not stated): ExAC 0.00002.
gnomAD v4.1: 2 of 1,614,210 alleles (0.00012%); highest among the groups gnomAD compares: Non-Finnish European, 0.00017%; no homozygotes.

Submissions (2):

Labcorp Genetics (formerly Invitae), Labcorp
Classification: Uncertain significance for Osteogenesis imperfecta type 7. Last evaluated: 2022-01-08. Review status: criteria provided, single submitter. Criteria: Invitae Variant Classification Sherloc (09022015). Collection method: clinical testing. Allele origin: germline.
Comment: This sequence change replaces aspartic acid, which is acidic and polar, with asparagine, which is neutral and polar, at codon 235 of the CRTAP protein (p.Asp235Asn). This variant is present in population databases (rs770887829, gnomAD 0.002%). This variant has not been reported in the literature in individuals affected with CRTAP-related conditions. ClinVar contains an entry for this variant (Variation ID: 903391). Algorithms developed to predict the effect of missense changes on protein structure and function (SIFT, PolyPhen-2, Align-GVGD) all suggest that this variant is likely to be tolerated. In summary, the available evidence is currently insufficient to determine the role of this variant in disease. Therefore, it has been classified as a Variant of Uncertain Significance.

Illumina Laboratory Services, Illumina
Classification: Uncertain significance for Osteogenesis imperfecta type 7. Last evaluated: 2018-03-30. Review status: criteria provided, single submitter. Criteria: ICSL Variant Classification Criteria 13 December 2019. Collection method: clinical testing. Allele origin: germline.

NM_006371.5(CRTAP):c.703G>A (p.Asp235Asn)

Gene: CRTAP (cartilage associated protein; plus strand). Cytogenetic location: 3p22.3.
Variant type: single nucleotide variant.
Coding change: c.703G>A on transcript NM_006371.5 (MANE Select); coding-DNA position 703, G replaced by A.
Protein change: p.Asp235Asn; replaces aspartic acid 235 with asparagine.
Molecular consequence: missense variant.
Genome position (GRCh38, 1-based): chr3:33,124,489, G>A. VCF-style: chr3-33124489-G-A. GRCh37 (hg19) VCF-style: chr3-33165981-G-A.
Other names: short protein forms D235N.
Identifiers: ClinVar variation 903391 (VCV000903391.5), dbSNP rs770887829, ClinGen allele CA2300363.
Genomic context (GRCh38, chr3:33,124,489, plus strand): 5'-CGGGCATACAACGGTGAGAACTGGAGAACATCCATCACAGACATGGAGCTGGCCCTTCCC[G>A]ACTTCTTCAAAGCCTTTTACGAGTGTCTCGCAGCCTGCGAGGGTTCCAGGGAGATCAAGG-3'
Protein context (NP_006362.1, residues 225-245): SITDMELALP[Asp235Asn]FFKAFYECLA